The following is an entry in ClinVar:

ClinVar aggregate classification (germline): Conflicting classifications of pathogenicity. Review status: criteria provided, conflicting classifications (1 of 4 stars). 2 submissions from 2 submitters: Uncertain significance (1); Likely benign (1). Last evaluated 2023-11-08.

Conditions:
Hereditary cancer-predisposing syndrome. Also called: Neoplastic Syndromes, Hereditary; Tumor predisposition; Hereditary Cancer Syndrome; Hereditary neoplastic syndrome. Identifiers: Orphanet 140162, MedGen C0027672, MeSH D009386, MONDO:0015356.

Submissions (2):

Labcorp Genetics (formerly Invitae), Labcorp
Classification: Uncertain significance for Hereditary cancer-predisposing syndrome. Last evaluated: 2023-11-08. Review status: criteria provided, single submitter. Criteria: Invitae Variant Classification Sherloc (09022015). Collection method: clinical testing. Allele origin: germline.
Comment: This sequence change replaces serine, which is neutral and polar, with asparagine, which is neutral and polar, at codon 451 of the RAD50 protein (p.Ser451Asn). This variant is not present in population databases (gnomAD no frequency). This variant has not been reported in the literature in individuals affected with RAD50-related conditions. ClinVar contains an entry for this variant (Variation ID: 457377). Advanced modeling of protein sequence and biophysical properties (such as structural, functional, and spatial information, amino acid conservation, physicochemical variation, residue mobility, and thermodynamic stability) performed at Invitae indicates that this missense variant is not expected to disrupt RAD50 protein function with a negative predictive value of 80%. In summary, the available evidence is currently insufficient to determine the role of this variant in disease. Therefore, it has been classified as a Variant of Uncertain Significance.

Ambry Genetics
Classification: Likely benign for Hereditary cancer-predisposing syndrome. Last evaluated: 2021-09-02. Review status: criteria provided, single submitter. Criteria: Ambry Variant Classification Scheme 2023. Collection method: clinical testing. Allele origin: germline.

NM_005732.4(RAD50):c.1352G>A (p.Ser451Asn)

Gene: RAD50 (RAD50 double strand break repair protein; plus strand). Cytogenetic location: 5q31.1.
Variant type: single nucleotide variant.
Coding change: c.1352G>A on transcript NM_005732.4 (MANE Select); coding-DNA position 1352, G replaced by A.
Protein change: p.Ser451Asn; replaces serine 451 with asparagine.
Molecular consequence: missense variant.
Genome position (GRCh38, 1-based): chr5:132,589,737, G>A. VCF-style: chr5-132589737-G-A. GRCh37 (hg19) VCF-style: chr5-131925429-G-A.
Other names: short protein forms S451N.
Identifiers: ClinVar variation 457377 (VCV000457377.11), dbSNP rs755082861, ClinGen allele CA360944248.